The following is an entry in ClinVar:

ClinVar aggregate classification (germline): Likely benign. Review status: criteria provided, single submitter (1 of 4 stars). 2 submissions from 2 submitters: Likely benign (1). 1 of the submissions does not count toward it. Last evaluated 2025-04-14.

Conditions:
TTC7A-related disorder. Also called: TTC7A-related condition.
Multiple gastrointestinal atresias. Also called: FAMILIAL INTESTINAL POLYATRESIA SYNDROME; Multiple intestinal atresia. Identifiers: Orphanet 2300, MedGen C0220744, MONDO:0009465.

Allele frequency attached by ClinVar (database versions not stated): gnomAD exomes 0.00001; gnomAD 0.00002 and 0.00003; TOPMed 0.00003; ESP Exome Variant Server 0.00008.
gnomAD v4.1: 62 of 1,588,334 alleles (0.0039%); highest among the groups gnomAD compares: Non-Finnish European, 0.0043%; no homozygotes.

Submissions (2):

Labcorp Genetics (formerly Invitae), Labcorp
Classification: Likely benign for Multiple gastrointestinal atresias. Last evaluated: 2025-04-14. Review status: criteria provided, single submitter. Criteria: Invitae Variant Classification Sherloc (09022015). Collection method: clinical testing. Allele origin: germline.

PreventionGenetics, part of Exact Sciences
Classification: Likely benign for TTC7A-related condition. Last evaluated: 2019-03-07. Review status: no assertion criteria provided. Collection method: clinical testing. Allele origin: germline. Not counted in ClinVar's aggregate classification.
Comment: This variant is classified as likely benign based on ACMG/AMP sequence variant interpretation guidelines (Richards et al. 2015 PMID: 25741868, with internal and published modifications).

NM_020458.4(TTC7A):c.2153-10G>C

Gene: TTC7A (tetratricopeptide repeat domain 7A; plus strand). Cytogenetic location: 2p21.
Variant type: single nucleotide variant.
Coding change: c.2153-10G>C on transcript NM_020458.4 (MANE Select); 10 bases into the intron before coding-DNA position 2153, G replaced by C.
Molecular consequence: intron variant.
Genome position (GRCh38, 1-based): chr2:47,060,759, G>C. VCF-style: chr2-47060759-G-C. GRCh37 (hg19) VCF-style: chr2-47287898-G-C.
Other names: c.2153-10G>C (NM_020458.3); c.2051-10G>C (NM_001288953.2); c.2225-10G>C (NM_001288951.2); c.1091-10G>C (NM_001288955.2).
Identifiers: ClinVar variation 1611167 (VCV001611167.10), dbSNP rs375320678, ClinGen allele CA46630849.